The following is an entry in ClinVar:

NM_001142285.2(RPS24):c.799C>G (p.Pro267Ala)

Gene: RPS24 (ribosomal protein S24; plus strand). Cytogenetic location: 10q22.3.
Variant type: single nucleotide variant.
Coding change: c.799C>G on transcript NM_001142285.2; coding-DNA position 799, C replaced by G.
Protein change: p.Pro267Ala; replaces proline 267 with alanine.
Molecular consequence: missense variant.
Genome position (GRCh38, 1-based): chr10:78,054,939, C>G. VCF-style: chr10-78054939-C-G. GRCh37 (hg19) VCF-style: chr10-79814697-C-G.
Other names: short protein forms P267A.
Identifiers: ClinVar variation 1327106 (VCV001327106.10), dbSNP rs931570987, ClinGen allele CA210200999.

ClinVar aggregate classification (germline): Conflicting classifications of pathogenicity. Review status: criteria provided, conflicting classifications (1 of 4 stars). 2 submissions from 2 submitters: Uncertain significance (1); Likely benign (1). Last evaluated 2025-09-01.

Conditions:
Diamond-Blackfan anemia 3 (DBA3). Also called: RPS24-Related Diamond-Blackfan Anemia. Identifiers: Orphanet 124, MedGen C1857719, MONDO:0012529, OMIM 610629.

Allele frequency attached by ClinVar (database versions not stated): gnomAD 0.00006 and 0.00005; gnomAD exomes 0.00001; TOPMed 0.00011.
gnomAD v4.1: 19 of 1,499,682 alleles (0.0013%); highest among the groups gnomAD compares: Admixed American, 0.033%; no homozygotes.

Submissions (2):

CeGaT Center for Human Genetics Tuebingen
Classification: Likely benign. Last evaluated: 2025-09-01. Review status: criteria provided, single submitter. Criteria: CeGaT Center For Human Genetics Tuebingen Variant Classification Criteria Version 2. Collection method: clinical testing. Allele origin: germline. Affected: yes. Observed: 1 variant allele.
Comment: RPS24: BP4

Baylor Genetics
Classification: Uncertain significance for Diamond-Blackfan anemia 3. Last evaluated: 2021-04-15. Review status: criteria provided, single submitter. Criteria: ACMG Guidelines, 2015. Collection method: clinical testing. Allele origin: maternal. Affected: yes. Study: CSER-TexasKidsCanSeq.
Comment: This variant was determined to be of uncertain significance according to ACMG Guidelines, 2015 [PMID:25741868].